The following is an entry in ClinVar:

NM_016373.4(WWOX):c.925C>T (p.Arg309Cys)

Gene: WWOX (WW domain containing oxidoreductase; plus strand). Cytogenetic location: 16q23.1.
Variant type: single nucleotide variant.
Coding change: c.925C>T on transcript NM_016373.4 (MANE Select); coding-DNA position 925, C replaced by T.
Protein change: p.Arg309Cys; replaces arginine 309 with cysteine.
Molecular consequence: missense variant.
Genome position (GRCh38, 1-based): chr16:78,432,621, C>T. VCF-style: chr16-78432621-C-T. GRCh37 (hg19) VCF-style: chr16-78466518-C-T.
Other names: c.586C>T, p.Arg196Cys (NM_001291997.2); c.925C>T (NM_016373.2); short protein forms R309C, R196C.
Identifiers: ClinVar variation 540233 (VCV000540233.11), dbSNP rs761545702, ClinGen allele CA8183554.
Genomic context (GRCh38, chr16:78,432,621, plus strand): 5'-GCGATGCTGGCTTATAACAGGTCCAAGCTCTGCAACATCCTCTTCTCCAACGAGCTGCAC[C>T]GTCGCCTCTCCCCACGCGGGGTCACGTCGAACGCAGTGCATCCTGGAAATATGATGTACT-3'
Protein context (NP_057457.1, residues 299-319): CNILFSNELH[Arg309Cys]RLSPRGVTSN

ClinVar aggregate classification (germline): Uncertain significance. Review status: criteria provided, multiple submitters, no conflicts (2 of 4 stars). 2 submissions from 2 submitters: Uncertain significance (2). Last evaluated 2025-06-12.

Conditions:
Inborn genetic diseases. Identifiers: MedGen C0950123, MeSH D030342.
Developmental and epileptic encephalopathy, 1 (DEE1). Also called: Epileptic encephalopathy, early infantile, 1; X-linked infantile spasms; West's syndrome; Tonic spasms with clustering, arrest of psychomotor development and hypsarrhythmia on EEG; X-Linked Infantile Spasm Syndrome; OHTAHARA SYNDROME, X-LINKED. Identifiers: MedGen C3463992, MONDO:0010632, OMIM 308350. Disease mechanism: loss of function.
Autosomal recessive spinocerebellar ataxia 12. Also called: SPINOCEREBELLAR ATAXIA WITH MENTAL RETARDATION AND EPILEPSY. Identifiers: Orphanet 284282, MedGen C3280452, MONDO:0013687, OMIM 614322.

Allele frequency attached by ClinVar (database versions not stated): gnomAD 0.00004 and 0.00003; TOPMed 0.00003.
gnomAD v4.1: 40 of 1,614,070 alleles (0.0025%); highest among the groups gnomAD compares: East Asian, 0.031%; no homozygotes.

Submissions (2):

Ambry Genetics
Classification: Uncertain significance for Inborn genetic diseases. Last evaluated: 2025-06-12. Review status: criteria provided, single submitter. Criteria: Ambry Variant Classification Scheme 2023. Collection method: clinical testing. Allele origin: germline.

Labcorp Genetics (formerly Invitae), Labcorp
Classification: Uncertain significance for Developmental and epileptic encephalopathy, 1; Autosomal recessive spinocerebellar ataxia 12. Last evaluated: 2022-08-31. Review status: criteria provided, single submitter. Criteria: Invitae Variant Classification Sherloc (09022015). Collection method: clinical testing. Allele origin: germline.
Comment: This sequence change replaces arginine, which is basic and polar, with cysteine, which is neutral and slightly polar, at codon 309 of the WWOX protein (p.Arg309Cys). This variant is present in population databases (rs761545702, gnomAD 0.07%). This variant has not been reported in the literature in individuals affected with WWOX-related conditions. ClinVar contains an entry for this variant (Variation ID: 540233). Algorithms developed to predict the effect of missense changes on protein structure and function output the following: SIFT: "Not Available"; PolyPhen-2: "Benign"; Align-GVGD: "Not Available". The cysteine amino acid residue is found in multiple mammalian species, which suggests that this missense change does not adversely affect protein function. In summary, the available evidence is currently insufficient to determine the role of this variant in disease. Therefore, it has been classified as a Variant of Uncertain Significance.